The following is an entry in ClinVar:

NM_024854.5(PYROXD1):c.758A>G (p.His253Arg)

Gene: PYROXD1 (pyridine nucleotide-disulphide oxidoreductase domain 1; plus strand). Cytogenetic location: 12p12.1.
Variant type: single nucleotide variant.
Coding change: c.758A>G on transcript NM_024854.5 (MANE Select); coding-DNA position 758, A replaced by G.
Protein change: p.His253Arg; replaces histidine 253 with arginine.
Molecular consequence: missense variant. On other transcripts: 5 prime UTR variant (1).
Genome position (GRCh38, 1-based): chr12:21,461,032, A>G. VCF-style: chr12-21461032-A-G. GRCh37 (hg19) VCF-style: chr12-21613966-A-G.
Other names: c.545A>G, p.His182Arg (NM_001350912.2); c.-20A>G (NM_001350913.2); short protein forms H253R, H182R.
Identifiers: ClinVar variation 2082891 (VCV002082891.4), dbSNP rs377228642, ClinGen allele CA6478330.

ClinVar aggregate classification (germline): Uncertain significance. Review status: criteria provided, multiple submitters, no conflicts (2 of 4 stars). 3 submissions from 3 submitters: Uncertain significance (3). Last evaluated 2025-04-20.

Conditions:
Inborn genetic diseases. Identifiers: MedGen C0950123, MeSH D030342.

Allele frequency attached by ClinVar (database versions not stated): TOPMed 0.00005; ExAC 0.00003; gnomAD 0.00003.
gnomAD v4.1: 46 of 1,515,588 alleles (0.003%); highest among the groups gnomAD compares: East Asian, 0.021%; no homozygotes.

Submissions (3):

Ambry Genetics
Classification: Uncertain significance for Inborn genetic diseases. Last evaluated: 2025-04-20. Review status: criteria provided, single submitter. Criteria: Ambry Variant Classification Scheme 2023. Collection method: clinical testing. Allele origin: germline.

GeneDx
Classification: Uncertain significance. Last evaluated: 2024-07-10. Review status: criteria provided, single submitter. Criteria: GeneDx Variant Classification Process June 2021. Collection method: clinical testing. Allele origin: germline. Affected: yes.
Comment: In silico analysis indicates that this missense variant does not alter protein structure/function; Has not been previously published as pathogenic or benign to our knowledge

Labcorp Genetics (formerly Invitae), Labcorp
Classification: Uncertain significance. Last evaluated: 2022-02-11. Review status: criteria provided, single submitter. Criteria: Invitae Variant Classification Sherloc (09022015). Collection method: clinical testing. Allele origin: germline.
Comment: This sequence change replaces histidine, which is basic and polar, with arginine, which is basic and polar, at codon 253 of the PYROXD1 protein (p.His253Arg). This variant is present in population databases (rs377228642, gnomAD 0.06%). This variant has not been reported in the literature in individuals affected with PYROXD1-related conditions. Algorithms developed to predict the effect of missense changes on protein structure and function output the following: SIFT: "Deleterious"; PolyPhen-2: "Benign"; Align-GVGD: "Class C0". The arginine amino acid residue is found in multiple mammalian species, which suggests that this missense change does not adversely affect protein function. Algorithms developed to predict the effect of sequence changes on RNA splicing suggest that this variant may create or strengthen a splice site. In summary, the available evidence is currently insufficient to determine the role of this variant in disease. Therefore, it has been classified as a Variant of Uncertain Significance.